The following is an entry in ClinVar:

NM_001283009.2(RTEL1):c.919+5G>A

Genes: RTEL1 (regulator of telomere elongation helicase 1; plus strand), RTEL1-TNFRSF6B (RTEL1-TNFRSF6B readthrough (NMD candidate); plus strand). Cytogenetic location: 20q13.33.
Variant type: single nucleotide variant.
Coding change: c.919+5G>A on transcript NM_001283009.2 (MANE Select); 5 bases into the intron after coding-DNA position 919, G replaced by A.
Molecular consequence: intron variant.
Genome position (GRCh38, 1-based): chr20:63,674,098, G>A. VCF-style: chr20-63674098-G-A. GRCh37 (hg19) VCF-style: chr20-62305451-G-A.
Other names: c.250+5G>A (NM_001283010.1); c.991+5G>A (NM_032957.5); c.919+5G>A (NM_016434.4).
Identifiers: ClinVar variation 2201210 (VCV002201210.4), dbSNP rs1455061443, ClinGen allele CA636615487.

ClinVar aggregate classification (germline): Uncertain significance. Review status: criteria provided, multiple submitters, no conflicts (2 of 4 stars). 2 submissions from 2 submitters: Uncertain significance (2). Last evaluated 2024-05-31.

Conditions:
Dyskeratosis congenita, autosomal recessive 5 (DKCB5). Identifiers: MedGen C3554656, MONDO:0014076, OMIM 615190.
Pulmonary fibrosis and/or bone marrow failure, Telomere-related, 3. Also called: PULMONARY FIBROSIS AND/OR BONE MARROW FAILURE SYNDROME, TELOMERE-RELATED, 3. Identifiers: Orphanet 2032, MedGen C4225346, MONDO:0014613, OMIM 616373.

Allele frequency attached by ClinVar (database versions not stated): TOPMed below 0.00001; gnomAD 0.00001; gnomAD exomes 0.00001.
gnomAD v4.1: 11 of 1,605,538 alleles (0.00069%); highest among the groups gnomAD compares: African/African-American, 0.0014%; no homozygotes.

Submissions (2):

Labcorp Genetics (formerly Invitae), Labcorp
Classification: Uncertain significance for Dyskeratosis congenita, autosomal recessive 5; Pulmonary fibrosis and/or bone marrow failure, Telomere-related, 3. Last evaluated: 2024-05-31. Review status: criteria provided, single submitter. Criteria: Invitae Variant Classification Sherloc (09022015). Collection method: clinical testing. Allele origin: germline.
Comment: This sequence change falls in intron 10 of the RTEL1 gene. It does not directly change the encoded amino acid sequence of the RTEL1 protein. It affects a nucleotide within the consensus splice site. This variant is present in population databases (no rsID available, gnomAD 0.0008%). This variant has not been reported in the literature in individuals affected with RTEL1-related conditions. ClinVar contains an entry for this variant (Variation ID: 2201210). Variants that disrupt the consensus splice site are a relatively common cause of aberrant splicing (PMID: 17576681, 9536098). Algorithms developed to predict the effect of sequence changes on RNA splicing suggest that this variant may disrupt the consensus splice site. In summary, the available evidence is currently insufficient to determine the role of this variant in disease. Therefore, it has been classified as a Variant of Uncertain Significance.

Blueprint Genetics
Classification: Uncertain significance. Last evaluated: 2023-07-18. Review status: criteria provided, single submitter. Criteria: ACMG Guidelines, 2015. Collection method: clinical testing. Allele origin: germline.

Literature cited by the submitters: PubMed 17576681 (cited by Labcorp Genetics (formerly Invitae), Labcorp); PubMed 9536098 (cited by Labcorp Genetics (formerly Invitae), Labcorp).